The following is an entry in ClinVar:

NM_014714.4(IFT140):c.1807G>A (p.Asp603Asn)

Gene: IFT140 (intraflagellar transport 140; minus strand). Cytogenetic location: 16p13.3.
Variant type: single nucleotide variant.
Coding change: c.1807G>A on transcript NM_014714.4 (MANE Select); coding-DNA position 1807, G replaced by A.
Protein change: p.Asp603Asn; replaces aspartic acid 603 with asparagine.
Molecular consequence: missense variant.
Genome position (GRCh38, 1-based): chr16:1,566,255, C>T on the plus strand (G>A on the coding strand, the complement: IFT140 is on the minus strand). VCF-style: chr16-1566255-C-T. GRCh37 (hg19) VCF-style: chr16-1616256-C-T.
Other names: short protein forms D603N.
Identifiers: ClinVar variation 888486 (VCV000888486.8), dbSNP rs138674110, ClinGen allele CA7814128.

ClinVar aggregate classification (germline): Uncertain significance. Review status: criteria provided, multiple submitters, no conflicts (2 of 4 stars). 4 submissions from 4 submitters: Uncertain significance (4). Last evaluated 2023-12-04.

Conditions:
Retinitis pigmentosa 80 (RP80). Identifiers: MedGen C4540439, MONDO:0054708, OMIM 617781.
Saldino-Mainzer syndrome (SRTD9). Also called: Renal dysplasia, retinal pigmentary dystrophy, cerebellar ataxia and skeletal dysplasia; short-rib thoracic dysplasia 9 with or without polydactyly; CONORENAL SYNDROME; SHORT-RIB THORACIC DYSPLASIA 9 WITHOUT POLYDACTYLY. Identifiers: Orphanet 140969, MedGen C1849437, MONDO:0009964, OMIM 266920.

Allele frequency attached by ClinVar (database versions not stated): gnomAD 0.00001; gnomAD exomes 0.00002; ExAC 0.00003; TOPMed 0.00004; ESP Exome Variant Server 0.00015.
gnomAD v4.1: 20 of 1,613,612 alleles (0.0012%); highest among the groups gnomAD compares: Middle Eastern, 0.016%; no homozygotes.

Submissions (4):

Labcorp Genetics (formerly Invitae), Labcorp
Classification: Uncertain significance for Saldino-Mainzer syndrome. Last evaluated: 2023-12-04. Review status: criteria provided, single submitter. Criteria: Invitae Variant Classification Sherloc (09022015). Collection method: clinical testing. Allele origin: germline.
Comment: This sequence change replaces aspartic acid, which is acidic and polar, with asparagine, which is neutral and polar, at codon 603 of the IFT140 protein (p.Asp603Asn). This variant is present in population databases (rs138674110, gnomAD 0.003%). This variant has not been reported in the literature in individuals affected with IFT140-related conditions. ClinVar contains an entry for this variant (Variation ID: 888486). Advanced modeling of protein sequence and biophysical properties (such as structural, functional, and spatial information, amino acid conservation, physicochemical variation, residue mobility, and thermodynamic stability) performed at Invitae indicates that this missense variant is not expected to disrupt IFT140 protein function with a negative predictive value of 80%. In summary, the available evidence is currently insufficient to determine the role of this variant in disease. Therefore, it has been classified as a Variant of Uncertain Significance.

Blueprint Genetics
Classification: Uncertain significance. Last evaluated: 2021-12-15. Review status: criteria provided, single submitter. Criteria: ACMG Guidelines, 2015. Collection method: clinical testing. Allele origin: germline.

Fulgent Genetics
Classification: Uncertain significance for Saldino-Mainzer syndrome; Retinitis pigmentosa 80. Last evaluated: 2021-10-29. Review status: criteria provided, single submitter. Criteria: ACMG Guidelines, 2015. Collection method: clinical testing. Allele origin: unknown.

Illumina Laboratory Services, Illumina
Classification: Uncertain significance for Saldino-Mainzer syndrome. Last evaluated: 2018-01-12. Review status: criteria provided, single submitter. Criteria: ICSL Variant Classification Criteria 13 December 2019. Collection method: clinical testing. Allele origin: germline.